The following is an entry in ClinVar:

NM_004006.3(DMD):c.10010G>T (p.Cys3337Phe)

Gene: DMD (dystrophin; minus strand). Cytogenetic location: Xp21.2.
Variant type: single nucleotide variant.
Coding change: c.10010G>T on transcript NM_004006.3 (MANE Select); coding-DNA position 10010, G replaced by T.
Protein change: p.Cys3337Phe; replaces cysteine 3337 with phenylalanine.
Molecular consequence: missense variant.
Genome position (GRCh38, 1-based): chrX:31,180,446, C>A on the plus strand (G>T on the coding strand, the complement: DMD is on the minus strand). VCF-style: chrX-31180446-C-A. GRCh37 (hg19) VCF-style: chrX-31198563-C-A.
Other names: c.9986G>T, p.Cys3329Phe (NM_000109.4); c.9998G>T, p.Cys3333Phe (NM_004009.3); c.9641G>T, p.Cys3214Phe (NM_004010.3); c.5987G>T, p.Cys1996Phe (NM_004011.4); c.5978G>T, p.Cys1993Phe (NM_004012.4); c.2630G>T, p.Cys877Phe (NM_004013.3, NM_004020.4, NM_004021.3 and 2 more transcripts); c.1823G>T, p.Cys608Phe (NM_004014.3); c.806G>T, p.Cys269Phe (NM_004015.3, NM_004016.3, NM_004017.3 and 2 more transcripts); short protein forms C1993F, C1996F, C3214F, C608F, C269F, C3337F, C3329F, C877F.
Identifiers: ClinVar variation 851285 (VCV000851285.17), dbSNP rs2041037870, ClinGen allele CA412653161.

ClinVar aggregate classification (germline): Conflicting classifications of pathogenicity. Review status: criteria provided, conflicting classifications (1 of 4 stars). 3 submissions from 3 submitters: Likely pathogenic (1); Uncertain significance (1). 1 of the submissions does not count toward it. Last evaluated 2022-08-02.

Conditions:
Duchenne muscular dystrophy (DMD). Also called: Duchenne Muscular Dystrophy (DMD); MUSCULAR DYSTROPHY, PSEUDOHYPERTROPHIC PROGRESSIVE, DUCHENNE TYPE. Identifiers: Orphanet 98896, MedGen C0013264, MONDO:0010679, OMIM 310200.
Dystrophin deficiency.
Becker muscular dystrophy (BMD). Also called: MUSCULAR DYSTROPHY, PSEUDOHYPERTROPHIC PROGRESSIVE, BECKER TYPE; Becker Muscular Dystrophy (BMD). Identifiers: Orphanet 98895, MedGen C0917713, MONDO:0010311, OMIM 300376.
Cardiomyopathy (CMYO). Also called: Cardiomyopathies. Identifiers: Orphanet 167848, MedGen C0878544, MONDO:0004994, HP:0001638. Inheritance: Various modes of inheritance.

Submissions (3):

Labcorp Genetics (formerly Invitae), Labcorp
Classification: Likely pathogenic for Duchenne muscular dystrophy. Last evaluated: 2022-08-02. Review status: criteria provided, single submitter. Criteria: Invitae Variant Classification Sherloc (09022015). Collection method: clinical testing. Allele origin: germline.
Comment: In summary, the currently available evidence indicates that the variant is pathogenic, but additional data are needed to prove that conclusively. Therefore, this variant has been classified as Likely Pathogenic. This variant disrupts the p.Cys3337 amino acid residue in DMD. Other variant(s) that disrupt this residue have been observed in individuals with DMD-related conditions (PMID: 17726484, 19959795, 26911353), which suggests that this may be a clinically significant amino acid residue. Algorithms developed to predict the effect of missense changes on protein structure and function are either unavailable or do not agree on the potential impact of this missense change (SIFT: "Deleterious"; PolyPhen-2: "Benign"; Align-GVGD: "Class C65"). ClinVar contains an entry for this variant (Variation ID: 851285). This missense change has been observed in individuals with DMD-related muscular dystrophy (Invitae). It has also been observed to segregate with disease in related individuals. This variant is not present in population databases (gnomAD no frequency). This sequence change replaces cysteine, which is neutral and slightly polar, with phenylalanine, which is neutral and non-polar, at codon 3337 of the DMD protein (p.Cys3337Phe).

ARUP Laboratories, Molecular Genetics and Genomics, ARUP Laboratories
Classification: Uncertain significance. Last evaluated: 2020-01-23. Review status: criteria provided, single submitter. Criteria: ARUP Molecular Germline Variant Investigation Process. Collection method: clinical testing. Allele origin: germline.
Comment: The DMD c.10010G>T, p.Cys3337Phe variant, to our knowledge, is not reported in the medical literature or gene specific databases, however other changes at this codon have been reported in DMD patients (Torella 2010). This variant is absent from general population databases (Exome Variant Server, Genome Aggregation Database), indicating it is not a common polymorphism. The cysteine at codon 3337 is highly conserved, and computational analyses (SIFT, PolyPhen-2) predict that this variant is deleterious. However, given the lack of clinical and functional data, the significance of the p.Cys3337Phe variant is uncertain at this time. References: Monaco et al. An explanation for the phenotypic differences between patients bearing partial deletions of the DMD locus. Genomics. 1988; 2(1): 90-95. Torella et al. One hundred twenty-one dystrophin point mutations detected from stored DNA samples by combinatorial denaturing high-performance liquid chromatography. J Mol Diagn. 2010 Jan;12(1):65-73. Gene statement: Pathogenic variants in DMD are inherited in an X-linked manner and are associated with Duchenne muscular dystrophy (MIM: 310200), Becker muscular dystrophy (MIM: 300376), and dilated cardiomyopathy (MIM: 302045).

Natera, Inc.
Classification: Uncertain significance for Becker muscular dystrophy; Cardiomyopathy; Duchenne muscular dystrophy; Dystrophin deficiency. Last evaluated: 2019-06-27. Review status: no assertion criteria provided. Collection method: clinical testing. Allele origin: germline. Not counted in ClinVar's aggregate classification.

Literature cited by the submitters: PubMed 17726484 (cited by Labcorp Genetics (formerly Invitae), Labcorp); PubMed 19959795 (cited by Labcorp Genetics (formerly Invitae), Labcorp); PubMed 26911353 (cited by Labcorp Genetics (formerly Invitae), Labcorp).